The following is an entry in ClinVar:

ClinVar aggregate classification (germline): Uncertain significance (1 of 4 stars; one submission).

Conditions:
Hereditary cancer-predisposing syndrome. Also called: Hereditary neoplastic syndrome; Neoplastic Syndromes, Hereditary; Tumor predisposition; Hereditary Cancer Syndrome. Identifiers: Orphanet 140162, MedGen C0027672, MeSH D009386, MONDO:0015356.

gnomAD v4.1: 1 of 1,578,816 alleles (0.000063%); highest among the groups gnomAD compares: African/African-American, 0.0013%; no homozygotes.

Submission:

Ambry Genetics
Classification: Uncertain significance for Hereditary cancer-predisposing syndrome. Last evaluated: 2025-03-10. Review status: criteria provided, single submitter. Criteria: Ambry Variant Classification Scheme 2023. Collection method: clinical testing. Allele origin: germline.
Comment: The p.S428A variant (also known as c.1282T>G), located in coding exon 5 of the AXIN2 gene, results from a T to G substitution at nucleotide position 1282. The serine at codon 428 is replaced by alanine, an amino acid with similar properties. This amino acid position is conserved. In addition, this alteration is predicted to be tolerated by in silico analysis. Based on the available evidence, the clinical significance of this variant remains unclear.

NM_004655.4(AXIN2):c.1282T>G (p.Ser428Ala)

Gene: AXIN2 (axin 2; minus strand). Cytogenetic location: 17q24.1.
Variant type: single nucleotide variant.
Coding change: c.1282T>G on transcript NM_004655.4 (MANE Select); coding-DNA position 1282, T replaced by G.
Protein change: p.Ser428Ala; replaces serine 428 with alanine.
Molecular consequence: missense variant.
Genome position (GRCh38, 1-based): chr17:65,537,754, A>C on the plus strand (T>G on the coding strand, the complement: AXIN2 is on the minus strand). VCF-style: chr17-65537754-A-C. GRCh37 (hg19) VCF-style: chr17-63533872-A-C.
Other names: c.1282T>G, p.Ser428Ala (NM_001363813.1); short protein forms S428A.
Identifiers: ClinVar variation 3814822 (VCV003814822.1).
Genomic context (GRCh38, chr17:65,537,754, plus strand): 5'-TGAGGACCCTGGACAGGTGATCGTCCAGTATCGTCTGCGGGTCTTCCTCGTAGCTGCCGG[A>C]GGGCAGTAGGGAGAGGGGGTGCTGCGTGGGCGCCCCCTCCCGCGAATTGAGTGTGAGCTC-3'
Protein context (NP_004646.3, residues 418-438): PTQHPLSLLP[Ser428Ala]GSYEEDPQTI